The following is an entry in ClinVar:

NM_182961.4(SYNE1):c.18513G>T (p.Arg6171Ser)

Gene: SYNE1 (spectrin repeat containing nuclear envelope protein 1; minus strand). Cytogenetic location: 6q25.2.
Variant type: single nucleotide variant.
Coding change: c.18513G>T on transcript NM_182961.4 (MANE Select); coding-DNA position 18513, G replaced by T.
Protein change: p.Arg6171Ser; replaces arginine 6171 with serine.
Molecular consequence: missense variant.
Genome position (GRCh38, 1-based): chr6:152,278,149, C>A on the plus strand (G>T on the coding strand, the complement: SYNE1 is on the minus strand). VCF-style: chr6-152278149-C-A. GRCh37 (hg19) VCF-style: chr6-152599284-C-A.
Other names: c.18300G>T, p.Arg6100Ser (NM_033071.5); short protein forms R6171S, R6100S.
Identifiers: ClinVar variation 805560 (VCV000805560.31), dbSNP rs764725032, ClinGen allele CA366094639.
Genomic context (GRCh38, chr6:152,278,149, plus strand): 5'-CTGCATGTTGAGCTGCTTATCATGCAGGGCTCTCTGCAGCTCCAGCAGGCTCCCCTTGAG[C>A]CTTCTCAGCTTTCCAGCCAGCTGCTCGGCCTCGTCCTTGGTGTGAGCTTTGCCCTCCAGC-3'
Protein context (NP_892006.3, residues 6161-6181): EAEQLAGKLR[Arg6171Ser]LKGSLLELQR

ClinVar aggregate classification (germline): Conflicting classifications of pathogenicity. Review status: criteria provided, conflicting classifications (1 of 4 stars). 3 submissions from 3 submitters: Uncertain significance (2); Likely benign (1). Last evaluated 2023-06-01.

Conditions:
Autosomal recessive ataxia, Beauce type. Also called: SYNE1 Deficiency; Spinocerebellar ataxia, autosomal recessive 8; SYNE1-Related Autosomal Recessive Cerebellar Ataxia; ATAXIA, RECESSIVE, OF BEAUCE. Identifiers: Orphanet 88644, MedGen C1853116, MONDO:0012549, OMIM 610743.
Emery-Dreifuss muscular dystrophy 4, autosomal dominant (EDMD4). Also called: EMERY-DREIFUSS MUSCULAR DYSTROPHY 4 WITH VARIABLE FEATURES. Identifiers: Orphanet 261, MedGen C2751807, MONDO:0013071, OMIM 612998.

Allele frequency attached by ClinVar (database versions not stated): gnomAD 0.00001; TOPMed 0.00001.
gnomAD v4.1: 54 of 1,613,992 alleles (0.0033%); highest among the groups gnomAD compares: Non-Finnish European, 0.004%; no homozygotes.

Submissions (3):

CeGaT Center for Human Genetics Tuebingen
Classification: Likely benign. Last evaluated: 2023-06-01. Review status: criteria provided, single submitter. Criteria: CeGaT Center For Human Genetics Tuebingen Variant Classification Criteria Version 2. Collection method: clinical testing. Allele origin: germline. Affected: yes. Observed: 1 variant allele.
Comment: SYNE1: BP4

Labcorp Genetics (formerly Invitae), Labcorp
Classification: Uncertain significance for Emery-Dreifuss muscular dystrophy 4, autosomal dominant; Autosomal recessive ataxia, Beauce type. Last evaluated: 2021-08-27. Review status: criteria provided, single submitter. Criteria: Invitae Variant Classification Sherloc (09022015). Collection method: clinical testing. Allele origin: germline.
Comment: This sequence change replaces arginine with serine at codon 6100 of the SYNE1 protein (p.Arg6100Ser). The arginine residue is weakly conserved and there is a moderate physicochemical difference between arginine and serine. This variant is not present in population databases (ExAC no frequency). This variant has not been reported in the literature in individuals affected with SYNE1-related conditions. Algorithms developed to predict the effect of missense changes on protein structure and function (SIFT, PolyPhen-2, Align-GVGD) all suggest that this variant is likely to be tolerated. In summary, the available evidence is currently insufficient to determine the role of this variant in disease. Therefore, it has been classified as a Variant of Uncertain Significance.

Athena Diagnostics
Classification: Uncertain significance. Last evaluated: 2018-11-16. Review status: criteria provided, single submitter. Criteria: Athena Diagnostics Criteria. Collection method: clinical testing. Allele origin: germline.